The following is an entry in ClinVar:

NM_015465.5(GEMIN5):c.730A>G (p.Thr244Ala)

Gene: GEMIN5 (gem nuclear organelle associated protein 5; minus strand). Cytogenetic location: 5q33.2.
Variant type: single nucleotide variant.
Coding change: c.730A>G on transcript NM_015465.5 (MANE Select); coding-DNA position 730, A replaced by G.
Protein change: p.Thr244Ala; replaces threonine 244 with alanine.
Molecular consequence: missense variant.
Genome position (GRCh38, 1-based): chr5:154,931,509, T>C on the plus strand (A>G on the coding strand, the complement: GEMIN5 is on the minus strand). VCF-style: chr5-154931509-T-C. GRCh37 (hg19) VCF-style: chr5-154311069-T-C.
Other names: c.727A>G, p.Thr243Ala (NM_001252156.2); short protein forms T243A, T244A.
Identifiers: ClinVar variation 3778292 (VCV003778292.7).

ClinVar aggregate classification (germline): Likely pathogenic (1 of 4 stars; one submission).

gnomAD v4.1: 2 of 1,613,154 alleles (0.00012%); highest among the groups gnomAD compares: Non-Finnish European, 0.00017%; no homozygotes.

Submission:

CeGaT Center for Human Genetics Tuebingen
Classification: Likely pathogenic. Last evaluated: 2026-02-01. Review status: criteria provided, single submitter. Criteria: CeGaT Center For Human Genetics Tuebingen Variant Classification Criteria Version 2. Collection method: clinical testing. Allele origin: germline. Affected: yes. Observed: 2 variant alleles.
Comment: GEMIN5: PM2, PM3, PP4:Moderate